The following is an entry in ClinVar:

ClinVar aggregate classification (germline): Uncertain significance (1 of 4 stars; one submission).

Conditions:
NAD(P)HX dehydratase deficiency. Also called: Encephalopathy, progressive, early-onset, with brain edema and/or leukoencephalopathy, 2. Identifiers: Orphanet 555402, MedGen C5193026, MONDO:0034121, OMIM 618321.

Submission:

Juno Genomics, Hangzhou Juno Genomics, Inc
Classification: Uncertain significance for NAD(P)HX dehydratase deficiency. Review status: criteria provided, single submitter. Criteria: ACMG Guidelines, 2015. Collection method: clinical testing. Allele origin: germline.
Comment: Absent from controls (or at extremely low frequency if recessive) in Genome Aggregation Database.;Protein length changes due to in-frame deletions/insertions in a non-repeat region or stop-loss variants.

NM_001242882.2(NAXD):c.901_903del (p.Gln301del)

Gene: NAXD (NAD(P)HX dehydratase; plus strand). Cytogenetic location: 13q34.
Variant type: Deletion.
Coding change: c.901_903del on transcript NM_001242882.2 (MANE Select); coding-DNA positions 901 to 903, 3 bases deleted (CAA; older notation c.901_903delCAA).
Protein change: p.Gln301del; deletes glutamine 301.
Molecular consequence: inframe deletion. On other transcripts: inframe indel (1), non-coding transcript variant (2).
Genome position (GRCh38, 1-based): chr13:110,638,439-110,638,441, CAA deleted. VCF-style (leftmost placement, unchanged base first): chr13-110638438-CCAA-C. GRCh37 (hg19) VCF-style: chr13-111290785-CCAA-C.
Other names: c.955_957del, p.Gln319del (NM_001242881.2); c.625_627del, p.Gln209del (NM_001242883.2); c.1091_1093del, p.Pro364_Ser365delinsArg (NM_018210.4); short protein forms Q209del, Q301del, Q319del.
Identifiers: ClinVar variation 5005229 (VCV005005229.2).